The following is an entry in ClinVar:

NM_001267550.2(TTN):c.74672del (p.Lys24891fs)

Genes: TTN (titin; minus strand), TTN-AS1 (TTN antisense RNA 1; plus strand). Cytogenetic location: 2q31.2.
Variant type: Deletion.
Coding change: c.74672del on transcript NM_001267550.2 (MANE Select); coding-DNA position 74672, one base deleted (A; older notation c.74672delA).
Protein change: p.Lys24891fs; shifts the reading frame from lysine 24891.
Molecular consequence: frameshift variant.
Genome position (GRCh38, 1-based): chr2:178,571,460, T deleted on the plus strand (A on the coding strand, the reverse complement: TTN is on the minus strand); the first of 2 consecutive T bases (chr2:178,571,460-178,571,461); deleting either gives the same sequence. VCF-style (leftmost placement, unchanged base first): chr2-178571459-CT-C. GRCh37 (hg19) VCF-style: chr2-179436186-CT-C.
Other names: p.Lys23250Argfs*11; c.69749del, p.Lys23250fs (NM_001256850.1); c.47477del, p.Lys15826fs (NM_003319.4); c.66968del, p.Lys22323fs (NM_133378.4); c.47852del, p.Lys15951fs (NM_133432.3); c.48053del, p.Lys16018fs (NM_133437.4); short protein forms K15951fs, K16018fs, K22323fs, K15826fs, K23250fs, K24891fs.
Identifiers: ClinVar variation 4540721 (VCV004540721.1).

ClinVar aggregate classification (germline): Likely pathogenic (1 of 4 stars; one submission).

Submission:

Mayo Clinic Laboratories, Mayo Clinic
Classification: Likely pathogenic. Last evaluated: 2025-09-17. Review status: criteria provided, single submitter. Criteria: ACMG Guidelines, 2015. Collection method: clinical testing. Allele origin: germline. Observed: 1 variant allele.
Comment: PM2_supporting, PVS1

Literature cited by the submitters: PubMed 36637017.